The following is an entry in ClinVar:

NM_003136.4(SRP54):c.103G>A (p.Val35Ile)

Gene: SRP54 (signal recognition particle 54; plus strand). Cytogenetic location: 14q13.2.
Variant type: single nucleotide variant.
Coding change: c.103G>A on transcript NM_003136.4 (MANE Select); coding-DNA position 103, G replaced by A.
Protein change: p.Val35Ile; replaces valine 35 with isoleucine.
Molecular consequence: missense variant. On other transcripts: intron variant (1).
Genome position (GRCh38, 1-based): chr14:34,999,582, G>A. VCF-style: chr14-34999582-G-A. GRCh37 (hg19) VCF-style: chr14-35468788-G-A.
Other names: c.103G>A, p.Val35Ile (NM_001411017.1); c.24-1354G>A (NM_001146282.2); short protein forms V35I.
Identifiers: ClinVar variation 2121437 (VCV002121437.4), dbSNP rs2502712907, ClinGen allele CA389436485.

ClinVar aggregate classification (germline): Uncertain significance (1 of 4 stars; one submission).

Allele frequency attached by ClinVar (database versions not stated): gnomAD exomes below 0.00001.
gnomAD v4.1: 1 of 1,613,196 alleles (0.000062%); highest among the groups gnomAD compares: Non-Finnish European, 0.000085%; no homozygotes.

Submission:

Labcorp Genetics (formerly Invitae), Labcorp
Classification: Uncertain significance. Last evaluated: 2026-01-01. Review status: criteria provided, single submitter. Criteria: Invitae Variant Classification Sherloc (09022015). Collection method: clinical testing. Allele origin: germline.
Comment: This sequence change replaces valine, which is neutral and non-polar, with isoleucine, which is neutral and non-polar, at codon 35 of the SRP54 protein (p.Val35Ile). This variant is not present in population databases (gnomAD no frequency). This variant has not been reported in the literature in individuals affected with SRP54-related conditions. ClinVar contains an entry for this variant (Variation ID: 2121437). Invitae Evidence Modeling of protein sequence and biophysical properties (such as structural, functional, and spatial information, amino acid conservation, physicochemical variation, residue mobility, and thermodynamic stability) indicates that this missense variant is not expected to disrupt SRP54 protein function with a negative predictive value of 80%. In summary, the available evidence is currently insufficient to determine the role of this variant in disease. Therefore, it has been classified as a Variant of Uncertain Significance.